The following is an entry in ClinVar:

ClinVar aggregate classification (germline): Uncertain significance (1 of 4 stars; one submission).

Conditions:
Dilated cardiomyopathy 1W (CMD1W). Identifiers: Orphanet 154, MedGen C1969639, MONDO:0012667, OMIM 611407.

gnomAD v4.1: 5 of 1,613,788 alleles (0.00031%); highest among the groups gnomAD compares: Non-Finnish European, 0.00042%; no homozygotes.

Submissions (2):

Labcorp Genetics (formerly Invitae), Labcorp
Classification: Uncertain significance for Dilated cardiomyopathy 1W. Last evaluated: 2024-06-26. Review status: criteria provided, single submitter. Criteria: Invitae Variant Classification Sherloc (09022015). Collection method: clinical testing. Allele origin: germline.
Comment: This sequence change replaces glycine, which is neutral and non-polar, with glutamic acid, which is acidic and polar, at codon 292 of the VCL protein (p.Gly292Glu). This variant is present in population databases (rs763330709, gnomAD 0.0009%). This variant has not been reported in the literature in individuals affected with VCL-related conditions. An algorithm developed to predict the effect of missense changes on protein structure and function (PolyPhen-2) suggests that this variant is likely to be disruptive. In summary, the available evidence is currently insufficient to determine the role of this variant in disease. Therefore, it has been classified as a Variant of Uncertain Significance.

Dr. Peter K. Rogan Lab, Western University
No classification provided (evidence only). Condition: Gastric cancer. Review status: no classification provided. Collection method: in vitro. Allele origin: not applicable. Functional consequence: retained intron. Not counted in ClinVar's aggregate classification.

NM_014000.3(VCL):c.875G>A (p.Gly292Glu)

Gene: VCL (vinculin; plus strand). Cytogenetic location: 10q22.2.
Variant type: single nucleotide variant.
Coding change: c.875G>A on transcript NM_014000.3 (MANE Select); coding-DNA position 875, G replaced by A.
Protein change: p.Gly292Glu; replaces glycine 292 with glutamic acid.
Molecular consequence: missense variant.
Genome position (GRCh38, 1-based): chr10:74,083,366, G>A. VCF-style: chr10-74083366-G-A. GRCh37 (hg19) VCF-style: chr10-75843124-G-A.
Other names: c.875G>A, p.Gly292Glu (NM_003373.4); short protein forms G292E.
Identifiers: ClinVar variation 3717989 (VCV003717989.3).
Genomic context (GRCh38, chr10:74,083,366, plus strand): 5'-TATCCTCTCTAAATAATGAATGTGTCAACAATGTAGTTATTGAATATCTCTTTATTTTAG[G>A]GGATGCTGGTGAGCAGGCCATCAGACAGATCTTAGATGAAGCTGGAAAAGTTGGTGAACT-3'
Protein context (NP_054706.1, residues 282-302): GWLRDPSASP[Gly292Glu]DAGEQAIRQI